The following is an entry in ClinVar:

NM_005476.7:c.(1281_1282)_(1633_1634)del

Gene: GNE (glucosamine (UDP-N-acetyl)-2-epimerase/N-acetylmannosamine kinase; minus strand).
Variant type: Deletion.
Other names: c.(1281_1282)_(1633_1634)del (NM_005476.7).
Identifiers: ClinVar variation 4795145 (VCV004795145.1).

ClinVar aggregate classification (germline): Likely pathogenic (1 of 4 stars; one submission).

Conditions:
Thrombocytopenia 12 with or without myopathy (THC12). Identifiers: MedGen C5935593, MONDO:0958325, OMIM 620757.

Submission:

MVZ Martinsried, Medicover Genetics
Classification: Likely pathogenic for Thrombocytopenia 12 with or without myopathy. Last evaluated: 2025-11-12. Review status: criteria provided, single submitter. Criteria: ClinGen Variant Curation SOP V3.2 + Classification Guidance July2025. Collection method: clinical testing. Allele origin: inherited. Affected: yes. Observed: 1 heterozygote.